The following is an entry in ClinVar:

NM_001282680.3(GAPVD1):c.1691G>A (p.Arg564His)

Gene: GAPVD1 (GTPase activating protein and VPS9 domains 1; plus strand). Cytogenetic location: 9q33.3.
Variant type: single nucleotide variant.
Coding change: c.1691G>A on transcript NM_001282680.3 (MANE Select); coding-DNA position 1691, G replaced by A.
Protein change: p.Arg564His; replaces arginine 564 with histidine.
Molecular consequence: missense variant. On other transcripts: non-coding transcript variant (2), intron variant (4).
Genome position (GRCh38, 1-based): chr9:125,321,521, G>A. VCF-style: chr9-125321521-G-A. GRCh37 (hg19) VCF-style: chr9-128083800-G-A.
Other names: c.1691G>A, p.Arg564His (NM_001282679.2, NM_001330778.3, NM_001354294.2 and 6 more transcripts); c.1669+22G>A (NM_001354297.2, NM_001354300.2, NM_001330777.3 and 1 more transcripts); short protein forms R564H.
Identifiers: ClinVar variation 2635862 (VCV002635862.2), dbSNP rs779103041, ClinGen allele CA5240249.
Genomic context (GRCh38, chr9:125,321,521, plus strand): 5'-GACAAGGAGATGTCCCTGTTGATGAAAACAAACTCCATGGTAAACCTGATAAAACCTTGC[G>A]CTTTTCCCTCTGCAGTGATAATCTGGAAGGAATATCTGAAGGTGAAGGGTTACTTCATTC-3'
Protein context (NP_001269609.1, residues 554-574): KLHGKPDKTL[Arg564His]FSLCSDNLEG

ClinVar aggregate classification (germline): Uncertain significance (1 of 4 stars; one submission).

Conditions:
GAPVD1-related disorder. Also called: GAPVD1-related condition.

Allele frequency attached by ClinVar (database versions not stated): TOPMed below 0.00001; ExAC 0.00001; gnomAD exomes 0.00002.
gnomAD v4.1: 30 of 1,613,576 alleles (0.0019%); highest among the groups gnomAD compares: South Asian, 0.0077%; no homozygotes.

Submission:

PreventionGenetics, part of Exact Sciences
Classification: Uncertain significance for GAPVD1-related condition. Last evaluated: 2025-12-02. Review status: criteria provided, single submitter. Criteria: ACMG Guidelines, 2015. Collection method: clinical testing. Allele origin: germline.
Comment: The GAPVD1 c.1691G>A variant is predicted to result in the amino acid substitution p.Arg564His. To our knowledge, this variant has not been reported in the literature. This variant is reported in 0.0033% of alleles in individuals of South Asian descent in gnomAD. At this time, the clinical significance of this variant is uncertain due to the absence of conclusive functional and genetic evidence.